The following is an entry in ClinVar:

ClinVar aggregate classification (germline): Benign/Likely benign (0 of 4 stars; one submission).

Submission:

GeneDx
Classification: Benign/Likely benign. Last evaluated: 2010-11-30. Review status: no assertion criteria provided. Collection method: clinical testing. Allele origin: not provided. Affected: yes. Observed: 2 variant alleles.
Comment: Likely benign (1), Benign (1)

GRCh38/hg38 8q11.21(chr8:47414028-47609983)x1

Genes: SPIDR (scaffold protein involved in DNA repair; plus strand), LOC130000327 (ATAC-STARR-seq lymphoblastoid active region 27326; plus strand), LOC130000328 (ATAC-STARR-seq lymphoblastoid active region 27327; plus strand), LOC130000329 (ATAC-STARR-seq lymphoblastoid active region 27328; plus strand). Cytogenetic location: 8q11.21.
Variant type: copy number loss.
Change: copy number 1 (one copy instead of two) of chr8:47,414,028-47,609,983 (196.0 kb, GRCh38 coordinates, 1-based), cytogenetic band 8q11.21.
Identifiers: ClinVar variation 144939 (VCV000144939.1).